The following is an entry in ClinVar:

ClinVar aggregate classification (germline): Uncertain significance (1 of 4 stars; one submission).

Allele frequency attached by ClinVar (database versions not stated): gnomAD 0.00003; TOPMed 0.00003; gnomAD exomes 0.00005 and 0.00013; ExAC 0.00014.
gnomAD v4.1: 31 of 1,588,088 alleles (0.002%); highest among the groups gnomAD compares: Admixed American, 0.053%; no homozygotes.

Submission:

Labcorp Genetics (formerly Invitae), Labcorp
Classification: Uncertain significance. Last evaluated: 2023-11-27. Review status: criteria provided, single submitter. Criteria: Invitae Variant Classification Sherloc (09022015). Collection method: clinical testing. Allele origin: germline.
Comment: This sequence change falls in intron 19 of the DGKZ gene. It does not directly change the encoded amino acid sequence of the DGKZ protein. It affects a nucleotide within the consensus splice site. This variant is present in population databases (rs749025431, gnomAD 0.1%), and has an allele count higher than expected for a pathogenic variant. This variant has not been reported in the literature in individuals affected with DGKZ-related conditions. ClinVar contains an entry for this variant (Variation ID: 1514890). Variants that disrupt the consensus splice site are a relatively common cause of aberrant splicing (PMID: 17576681, 9536098). Algorithms developed to predict the effect of sequence changes on RNA splicing suggest that this variant is not likely to affect RNA splicing. In summary, the available evidence is currently insufficient to determine the role of this variant in disease. Therefore, it has been classified as a Variant of Uncertain Significance.

Literature cited by the submitters: PubMed 17576681; PubMed 9536098.

NM_001199267.2(DGKZ):c.1595+6G>A

Gene: DGKZ (diacylglycerol kinase zeta; plus strand). Cytogenetic location: 11p11.2.
Variant type: single nucleotide variant.
Coding change: c.1595+6G>A on transcript NM_001199267.2 (MANE Select); 6 bases into the intron after coding-DNA position 1595, G replaced by A.
Molecular consequence: intron variant.
Genome position (GRCh38, 1-based): chr11:46,374,845, G>A. VCF-style: chr11-46374845-G-A. GRCh37 (hg19) VCF-style: chr11-46396395-G-A.
Other names: c.1646+6G>A (NM_201532.3); c.1610+6G>A (NM_201533.3); c.1598+6G>A (NM_001199266.2, NM_003646.4); c.1529+6G>A (NM_001199268.2); c.2162+6G>A (NM_001105540.2).
Identifiers: ClinVar variation 1514890 (VCV001514890.6), dbSNP rs749025431, ClinGen allele CA5962901.